The following is an entry in ClinVar:

NM_001005373.4(LRSAM1):c.1199G>A (p.Arg400Gln)

Gene: LRSAM1 (leucine rich repeat and sterile alpha motif containing 1; plus strand). Cytogenetic location: 9q33.3.
Variant type: single nucleotide variant.
Coding change: c.1199G>A on transcript NM_001005373.4 (MANE Select); coding-DNA position 1199, G replaced by A.
Protein change: p.Arg400Gln; replaces arginine 400 with glutamine.
Molecular consequence: missense variant. On other transcripts: non-coding transcript variant (2).
Genome position (GRCh38, 1-based): chr9:127,485,775, G>A. VCF-style: chr9-127485775-G-A. GRCh37 (hg19) VCF-style: chr9-130248054-G-A.
Other names: c.1199G>A, p.Arg400Gln (NM_001005374.4, NM_001190723.3, NM_001384142.1 and 2 more transcripts); c.410G>A, p.Arg137Gln (NM_001384144.1); short protein forms R400Q, R137Q.
Identifiers: ClinVar variation 365026 (VCV000365026.19), dbSNP rs150344223, ClinGen allele CA5246889.

ClinVar aggregate classification (germline): Conflicting classifications of pathogenicity. Review status: criteria provided, conflicting classifications (1 of 4 stars). 5 submissions from 5 submitters: Uncertain significance (4); Likely benign (1). Last evaluated 2024-08-22.

Conditions:
Charcot-Marie-Tooth disease axonal type 2P. Also called: CHARCOT-MARIE-TOOTH DISEASE, AXONAL, TYPE 2G; CMT 2G; CHARCOT-MARIE-TOOTH NEUROPATHY, TYPE 2P; Charcot-Marie-Tooth Neuropathy Type 2G. Identifiers: Orphanet 300319, Orphanet 99941, MedGen C3280797, MONDO:0013753, OMIM 614436.

Allele frequency attached by ClinVar (database versions not stated): TOPMed 0.00005; ExAC 0.00012; gnomAD 0.00012 and 0.00014; gnomAD exomes 0.00012 and 0.00013; ESP Exome Variant Server 0.00023.
gnomAD v4.1: 211 of 1,614,014 alleles (0.013%); highest among the groups gnomAD compares: Non-Finnish European, 0.017%; no homozygotes.

Submissions (5):

Labcorp Genetics (formerly Invitae), Labcorp
Classification: Uncertain significance for Charcot-Marie-Tooth disease axonal type 2P. Last evaluated: 2024-08-22. Review status: criteria provided, single submitter. Criteria: Invitae Variant Classification Sherloc (09022015). Collection method: clinical testing. Allele origin: germline.
Comment: This sequence change replaces arginine, which is basic and polar, with glutamine, which is neutral and polar, at codon 400 of the LRSAM1 protein (p.Arg400Gln). This variant is present in population databases (rs150344223, gnomAD 0.02%). This variant has not been reported in the literature in individuals affected with LRSAM1-related conditions. ClinVar contains an entry for this variant (Variation ID: 365026). Invitae Evidence Modeling of protein sequence and biophysical properties (such as structural, functional, and spatial information, amino acid conservation, physicochemical variation, residue mobility, and thermodynamic stability) indicates that this missense variant is not expected to disrupt LRSAM1 protein function with a negative predictive value of 80%. In summary, the available evidence is currently insufficient to determine the role of this variant in disease. Therefore, it has been classified as a Variant of Uncertain Significance.

Women's Health and Genetics/Laboratory Corporation of America, LabCorp
Classification: Uncertain significance. Last evaluated: 2024-06-21. Review status: criteria provided, single submitter. Criteria: LabCorp Variant Classification Summary - May 2015. Collection method: clinical testing. Allele origin: germline.
Comment: Variant summary: LRSAM1 c.1199G>A (p.Arg400Gln) results in a conservative amino acid change in the encoded protein sequence. Five of five in-silico tools predict a benign effect of the variant on protein function. The variant allele was found at a frequency of 0.00013 in 1614014 control chromosomes, predominantly at a frequency of 0.00017 within the Non-Finnish European subpopulation in the gnomAD database (gnomAD v4.1.0). To our knowledge, no occurrence of c.1199G>A in individuals affected with Charcot-Marie Disease Type 2P and no experimental evidence demonstrating its impact on protein function have been reported. ClinVar contains an entry for this variant (Variation ID: 365026). Based on the evidence outlined above, the variant was classified as uncertain significance.

GeneDx
Classification: Likely benign. Last evaluated: 2020-03-31. Review status: criteria provided, single submitter. Criteria: GeneDx Variant Classification Process June 2021. Collection method: clinical testing. Allele origin: germline. Affected: yes.

Fulgent Genetics
Classification: Uncertain significance for Charcot-Marie-Tooth disease axonal type 2P. Last evaluated: 2018-10-31. Review status: criteria provided, single submitter. Criteria: ACMG Guidelines, 2015. Collection method: clinical testing. Allele origin: unknown.

Illumina Laboratory Services, Illumina
Classification: Uncertain significance for Charcot-Marie-Tooth disease axonal type 2P. Last evaluated: 2018-01-13. Review status: criteria provided, single submitter. Criteria: ICSL Variant Classification Criteria 13 December 2019. Collection method: clinical testing. Allele origin: germline.